The following is an entry in ClinVar:

NM_007294.4(BRCA1):c.3750G>A (p.Glu1250=)

Genes: BRCA1 (BRCA1 DNA repair associated; minus strand), LOC126862571 (BRD4-independent group 4 enhancer GRCh37_chr17:41243136-41244335; plus strand). Cytogenetic location: 17q21.31.
Variant type: single nucleotide variant.
Coding change: c.3750G>A on transcript NM_007294.4 (MANE Select); coding-DNA position 3750, G replaced by A.
Protein change: p.Glu1250=; no amino-acid change (glutamic acid 1250 retained).
Molecular consequence: synonymous variant. On other transcripts: intron variant (135).
Genome position (GRCh38, 1-based): chr17:43,091,781, C>T on the plus strand (G>A on the coding strand, the complement: BRCA1 is on the minus strand). VCF-style: chr17-43091781-C-T. GRCh37 (hg19) VCF-style: chr17-41243798-C-T.
Other names: c.3750G>A, p.Glu1250= (NM_001407602.1, NM_001407603.1, NM_001407605.1 and 30 more transcripts); c.3747G>A, p.Glu1249= (NM_001407610.1, NM_001407611.1, NM_001407612.1 and 22 more transcripts); c.3741G>A, p.Glu1247= (NM_001407646.1, NM_001407647.1); c.3627G>A, p.Glu1209= (NM_001407648.1, NM_001407664.1, NM_001407665.1 and 19 more transcripts); c.3624G>A, p.Glu1208= (NM_001407649.1, NM_001407670.1, NM_001407671.1 and 11 more transcripts); c.3672G>A, p.Glu1224= (NM_001407653.1, NM_001407654.1, NM_001407655.1 and 4 more transcripts); c.3669G>A, p.Glu1223= (NM_001407659.1, NM_001407660.1, NM_001407661.1 and 1 more transcripts); c.3609G>A, p.Glu1203= (NM_001407692.1, NM_001407694.1, NM_001407695.1 and 29 more transcripts); and 41 more.
Identifiers: ClinVar variation 232493 (VCV000232493.22), dbSNP rs145903082, ClinGen allele CA10580551.
Genomic context (GRCh38, chr17:43,091,781, plus strand): 5'-GCAGTCATTTAAGCTATTCTTCAATGATAATAAATTCTCCTCTGTGTTCTTAGACAGACA[C>T]TCGGTAGCAACGGTGCTATGCCTAGTAGACTGAGAAGGTATATTGTTTACTTTACCAAAT-3'
Protein context (NP_009225.1, residues 1240-1260): QSTRHSTVAT[Glu1250=]CLSKNTEENL

ClinVar aggregate classification (germline): Likely benign. Review status: reviewed by expert panel (3 of 4 stars). 6 submissions from 6 submitters: Likely benign (1). 5 of the submissions do not count toward it. Last evaluated 2017-06-29.

Conditions:
Hereditary cancer-predisposing syndrome. Also called: Tumor predisposition; Hereditary Cancer Syndrome; Neoplastic Syndromes, Hereditary; Hereditary neoplastic syndrome. Identifiers: Orphanet 140162, MedGen C0027672, MeSH D009386, MONDO:0015356.
Hereditary breast ovarian cancer syndrome. Also called: Breast and ovarian cancer; Hereditary breast and ovarian cancer; Hereditary breast and ovarian cancer syndrome; Hereditary breast and/or ovarian cancer syndrome; BRCA1- and BRCA2-Associated Hereditary Breast and Ovarian Cancer; Hereditary breast and ovarian cancer syndrome (HBOC). Identifiers: Orphanet 145, MedGen C0677776, MeSH D061325, MONDO:0003582. Disease mechanism: loss of function.
Breast-ovarian cancer, familial, susceptibility to, 1 (BROVCA1). Also called: BRCA1 Hereditary Breast and Ovarian Cancer; OVARIAN CANCER, SUSCEPTIBILITY TO. Identifiers: Orphanet 145, MedGen C2676676, MONDO:0011450, OMIM 604370. Disease mechanism: loss of function.

Allele frequency attached by ClinVar (database versions not stated): gnomAD 0.00003; TOPMed 0.00003.
gnomAD v4.1: 6 of 1,614,040 alleles (0.00037%); highest among the groups gnomAD compares: African/African-American, 0.004%; no homozygotes.

Submissions (6):

Evidence-based Network for the Interpretation of Germline Mutant Alleles (ENIGMA)
Classification: Likely benign for Breast-ovarian cancer, familial, susceptibility to, 1. Last evaluated: 2017-06-29. Review status: reviewed by expert panel. Criteria: ENIGMA BRCA1/2 Classification Criteria (2017-06-29). Collection method: curation. Allele origin: germline.
Comment: Synonymous substitution variant, with low bioinformatic likelihood to result in a splicing aberration (Splicing prior probability 0.02).

Labcorp Genetics (formerly Invitae), Labcorp
Classification: Likely benign for Hereditary breast ovarian cancer syndrome. Last evaluated: 2025-07-08. Review status: criteria provided, single submitter. Criteria: Invitae Variant Classification Sherloc (09022015). Collection method: clinical testing. Allele origin: germline. Not counted in ClinVar's aggregate classification.

All of Us Research Program, National Institutes of Health
Classification: Likely benign for Breast-ovarian cancer, familial, susceptibility to, 1. Last evaluated: 2023-06-26. Review status: criteria provided, single submitter. Criteria: ACMG Guidelines, 2015. Collection method: clinical testing. Allele origin: germline. Inheritance: Autosomal dominant inheritance. Observed: 1 variant allele, 1 heterozygote. Not counted in ClinVar's aggregate classification.
Comment: This study involves interpretation of variants in research participants for the purpose of population health screening. Participant phenotype was not available at the time of variant classification. Additional details can be found in publication PMID: 35346344, PMCID: PMC8962531

Quest Diagnostics Nichols Institute San Juan Capistrano
Classification: Likely benign. Last evaluated: 2023-05-01. Review status: criteria provided, single submitter. Criteria: Quest Diagnostics criteria. Collection method: clinical testing. Allele origin: unknown. Not counted in ClinVar's aggregate classification.

Color Diagnostics, LLC DBA Color Health
Classification: Likely benign for Hereditary cancer-predisposing syndrome. Last evaluated: 2017-04-24. Review status: criteria provided, single submitter. Criteria: ACMG Guidelines, 2015. Collection method: clinical testing. Allele origin: germline. Not counted in ClinVar's aggregate classification.

Ambry Genetics
Classification: Likely benign for Hereditary cancer-predisposing syndrome. Last evaluated: 2015-06-25. Review status: criteria provided, single submitter. Criteria: Ambry Variant Classification Scheme 2023. Collection method: clinical testing. Allele origin: germline. Not counted in ClinVar's aggregate classification.